The following is an entry in ClinVar:

ClinVar aggregate classification (germline): Uncertain significance (1 of 4 stars; one submission).

Conditions:
Retinoblastoma (RB1). Also called: RETINOBLASTOMA, SOMATIC. Identifiers: Orphanet 790, MedGen C0035335, MeSH D012175, MONDO:0008380, OMIM 180200, HP:0009919. Disease mechanism: loss of function. Inheritance: Both sporadic and heritable forms are tested..

Submission:

Labcorp Genetics (formerly Invitae), Labcorp
Classification: Uncertain significance for Retinoblastoma. Last evaluated: 2022-05-25. Review status: criteria provided, single submitter. Criteria: Invitae Variant Classification Sherloc (09022015). Collection method: clinical testing. Allele origin: germline.
Comment: Algorithms developed to predict the effect of sequence changes on RNA splicing suggest that this variant may create or strengthen a splice site. Algorithms developed to predict the effect of missense changes on protein structure and function are either unavailable or do not agree on the potential impact of this missense change (SIFT: "Deleterious"; PolyPhen-2: "Benign"; Align-GVGD: "Class C45"). This variant has not been reported in the literature in individuals affected with RB1-related conditions. This variant is not present in population databases (gnomAD no frequency). This sequence change replaces methionine, which is neutral and non-polar, with arginine, which is basic and polar, at codon 300 of the RB1 protein (p.Met300Arg). In summary, the available evidence is currently insufficient to determine the role of this variant in disease. Therefore, it has been classified as a Variant of Uncertain Significance.

NM_000321.3(RB1):c.899T>G (p.Met300Arg)

Gene: RB1 (RB transcriptional corepressor 1; plus strand). Cytogenetic location: 13q14.2.
Variant type: single nucleotide variant.
Coding change: c.899T>G on transcript NM_000321.3 (MANE Select); coding-DNA position 899, T replaced by G.
Protein change: p.Met300Arg; replaces methionine 300 with arginine.
Molecular consequence: missense variant.
Genome position (GRCh38, 1-based): chr13:48,364,931, T>G. VCF-style: chr13-48364931-T-G. GRCh37 (hg19) VCF-style: chr13-48939067-T-G.
Other names: c.899T>G, p.Met300Arg (NM_001407165.1, NM_001407166.1); short protein forms M300R.
Identifiers: ClinVar variation 1998472 (VCV001998472.4), dbSNP rs2138116475, ClinGen allele CA388159969.